The following is an entry in ClinVar:

ClinVar aggregate classification (germline): Likely pathogenic. Review status: criteria provided, multiple submitters, no conflicts (2 of 4 stars). 2 submissions from 2 submitters: Likely pathogenic (2). Last evaluated 2023-02-23.

Conditions:
Treacher Collins syndrome 2 (TCS2). Also called: POLR1D-Related Treacher Collins Syndrome; TREACHER COLLINS SYNDROME 2, AUTOSOMAL RECESSIVE. Identifiers: Orphanet 861, MedGen C3150983, MONDO:0013385, OMIM 613717.

Submissions (2):

3billion
Classification: Likely pathogenic for Treacher Collins syndrome 2. Last evaluated: 2023-02-23. Review status: criteria provided, single submitter. Criteria: ACMG Guidelines, 2015. Collection method: clinical testing. Allele origin: unknown. Affected: yes.
Comment: The variant is not observed in the gnomAD v2.1.1 dataset. This variant was predicted to result in a loss or disruption of normal protein function through protein truncation. The predicted truncated protein may be shortened by more than 10%. Therefore, this variant is classified as Likely pathogenic according to the recommendation of ACMG/AMP guideline.

Medical Molecular Genetics Department, National Research Center
Classification: Likely pathogenic for Treacher Collins syndrome 2. Last evaluated: 2022-01-12. Review status: criteria provided, single submitter. Criteria: ACMG Guidelines, 2015. Collection method: clinical testing. Allele origin: germline. Affected: yes. Observed: 1 variant allele.

NM_015972.4(POLR1D):c.60dup (p.Gly21fs)

Genes: POLR1D (RNA polymerase I and III subunit D; plus strand), LOC147380392 (uncharacterized LOC147380392; plus strand). Cytogenetic location: 13q12.2.
Variant type: Duplication.
Coding change: c.60dup on transcript NM_015972.4 (MANE Select); coding-DNA position 60, one base duplicated (A; older notation c.60dupA).
Protein change: p.Gly21fs; shifts the reading frame from glycine 21.
Molecular consequence: frameshift variant. On other transcripts: intron variant (2).
Genome position (GRCh38, 1-based): chr13:27,622,908, A duplicated; the last of 2 consecutive A bases (chr13:27,622,907-27,622,908); duplicating either gives the same sequence. VCF-style (leftmost placement, unchanged base first): chr13-27622906-G-GA. GRCh37 (hg19) VCF-style: chr13-28197043-G-GA.
Other names: c.60dup, p.Gly21fs (NM_001374407.1); c.-59+1768dup (NM_001206559.2); c.26+899dup (NM_152705.3); short protein forms G21fs.
Identifiers: ClinVar variation 1806833 (VCV001806833.3), dbSNP rs2500474235, ClinGen allele CA2580086863.